The following is an entry in ClinVar:

NM_001037.5(SCN1B):c.-9C>A

Gene: SCN1B (sodium voltage-gated channel beta subunit 1; plus strand). Cytogenetic location: 19q13.11.
Variant type: single nucleotide variant.
Coding change: c.-9C>A on transcript NM_001037.5 (MANE Select); 9 bases upstream of the start codon, C replaced by A.
Molecular consequence: 5 prime UTR variant.
Genome position (GRCh38, 1-based): chr19:35,030,812, C>A. VCF-style: chr19-35030812-C-A. GRCh37 (hg19) VCF-style: chr19-35521716-C-A.
Other names: c.-9C>A (NM_199037.5).
Identifiers: ClinVar variation 139002 (VCV000139002.15), dbSNP rs66671189, ClinGen allele CA293227.

ClinVar aggregate classification (germline): Benign/Likely benign. Review status: criteria provided, multiple submitters, no conflicts (2 of 4 stars). 8 submissions from 7 submitters: Benign (4); Likely benign (4). Last evaluated 2024-11-22.

Conditions:
Brugada syndrome 5 (BRGDA5). Identifiers: Orphanet 130, Orphanet 871, MedGen C2748541, MONDO:0013015, OMIM 612838.
Generalized epilepsy with febrile seizures plus, type 1 (GEFSP1). Also called: GEFS+, TYPE 1. Identifiers: Orphanet 36387, MedGen C1858672, MONDO:0011416, OMIM 604233.

Allele frequency attached by ClinVar (database versions not stated): 1000 Genomes Project 30x 0.00828; gnomAD exomes 0.00050; ExAC 0.00159; TOPMed 0.00553; gnomAD 0.00603; 1000 Genomes Project 0.00759.
gnomAD v4.1: 1,174 of 1,079,936 alleles (0.11%); highest among the groups gnomAD compares: African/African-American, 1.8%; 11 homozygotes.

Submissions (8):

Blueprint Genetics
Classification: Likely benign. Last evaluated: 2024-11-22. Review status: criteria provided, single submitter. Criteria: ACMG Guidelines, 2015. Collection method: clinical testing. Allele origin: germline.

Illumina Laboratory Services, Illumina
Classification: Benign for Brugada syndrome 5. Last evaluated: 2018-01-13. Review status: criteria provided, single submitter. Criteria: ICSL Variant Classification Criteria 13 December 2019. Collection method: clinical testing. Allele origin: germline.
Comment: This variant was observed in the ICSL laboratory as part of a predisposition screen in an ostensibly healthy population. It had not been previously curated by ICSL or reported in the Human Gene Mutation Database (HGMD: prior to June 1st, 2018), and was therefore a candidate for classification through an automated scoring system. Utilizing variant allele frequency, disease prevalence and penetrance estimates, and inheritance mode, an automated score was calculated to assess if this variant is too frequent to cause the disease. Based on the score and internal cut-off values, a variant classified as benign is not then subjected to further curation. The score for this variant resulted in a classification of benign for this disease.

Illumina Laboratory Services, Illumina
Classification: Likely benign for Generalized epilepsy with febrile seizures plus, type 1. Last evaluated: 2018-01-13. Review status: criteria provided, single submitter. Criteria: ICSL Variant Classification Criteria 13 December 2019. Collection method: clinical testing. Allele origin: germline.
Comment: This variant was observed in the ICSL laboratory as part of a predisposition screen in an ostensibly healthy population. It had not been previously curated by ICSL or reported in the Human Gene Mutation Database (HGMD: prior to June 1st, 2018), and was therefore a candidate for classification through an automated scoring system. Utilizing variant allele frequency, disease prevalence and penetrance estimates, and inheritance mode, an automated score was calculated to assess if this variant is too frequent to cause the disease. Based on the score and internal cut-off values, a variant classified as likely benign is not then subjected to further curation. The score for this variant resulted in a classification of likely benign for this disease.

Women's Health and Genetics/Laboratory Corporation of America, LabCorp
Classification: Benign. Last evaluated: 2016-04-06. Review status: criteria provided, single submitter. Criteria: LabCorp Variant Classification Summary - May 2015. Collection method: clinical testing. Allele origin: germline.
Comment: Variant summary: This c.-9C>A variant affects a non-conserved nucleotide, located in the 5' UTR, a location that could affect transcription, however, no functional studies have been performed to assess this. The variant of interest was observed in a control population (1000 Gs) with an allele frequency of 38/5008, predominantly in African cohort with an allele frequency of 0.026 (34/1322 chromosomes). This frequency exceeds the predicted maximum expected allele frequency for a pathogenic SCN1B allele (0.00001), suggesting this variant is benign. In addition, Multiple clinical laboratories have classified this variant as benign. Taken together, this variant has been classified as Benign.

Genetic Services Laboratory, University of Chicago
Classification: Likely benign. Last evaluated: 2015-08-06. Review status: criteria provided, single submitter. Criteria: ACMG Guidelines, 2015. Collection method: clinical testing. Allele origin: germline. Affected: no.

Eurofins Ntd Llc (ga)
Classification: Benign. Last evaluated: 2014-07-08. Review status: criteria provided, single submitter. Criteria: EGL Classification Definitions 2015. Collection method: clinical testing. Allele origin: germline. Observed: 2 variant alleles, 2 heterozygotes.

GeneDx
Classification: Benign. Last evaluated: 2013-03-27. Review status: criteria provided, single submitter. Criteria: GeneDx Variant Classification (06012015). Collection method: clinical testing. Allele origin: germline. Affected: yes.
Comment: This variant is considered likely benign or benign based on one or more of the following criteria: it is a conservative change, it occurs at a poorly conserved position in the protein, it is predicted to be benign by multiple in silico algorithms, and/or has population frequency not consistent with disease.

Breakthrough Genomics
Classification: Likely benign. Review status: criteria provided, single submitter. Criteria: ACMG Guidelines, 2015. Collection method: not provided. Allele origin: germline. Inheritance: Autosomal recessive inheritance. Affected: yes.